The following is an entry in ClinVar:

ClinVar aggregate classification (germline): Pathogenic (0 of 4 stars; one submission).

Submission:

GenMed Metabolism Lab
Classification: Pathogenic. Review status: no assertion criteria provided. Collection method: not provided. Allele origin: unknown.
Comment: p.Leu244Gln, Late
ClinVar note: Converted during submission from pathogenic to Pathogenic.

NM_000531.6(OTC):c.731T>A (p.Leu244Gln)

Gene: OTC (ornithine transcarbamylase; plus strand). Cytogenetic location: Xp11.4.
Variant type: single nucleotide variant.
Coding change: c.731T>A on transcript NM_000531.6 (MANE Select); coding-DNA position 731, T replaced by A.
Protein change: p.Leu244Gln; replaces leucine 244 with glutamine.
Molecular consequence: missense variant.
Genome position (GRCh38, 1-based): chrX:38,408,889, T>A. VCF-style: chrX-38408889-T-A. GRCh37 (hg19) VCF-style: chrX-38268142-T-A.
Other names: short protein forms L244Q.
Identifiers: ClinVar variation 97306 (VCV000097306.2), dbSNP rs72558436, ClinGen allele CA224764.